The following is an entry in ClinVar:

NM_005751.5(AKAP9):c.1158A>T (p.Lys386Asn)

Gene: AKAP9 (A-kinase anchoring protein 9; plus strand). Cytogenetic location: 7q21.2.
Variant type: single nucleotide variant.
Coding change: c.1158A>T on transcript NM_005751.5 (MANE Select); coding-DNA position 1158, A replaced by T.
Protein change: p.Lys386Asn; replaces lysine 386 with asparagine.
Molecular consequence: missense variant.
Genome position (GRCh38, 1-based): chr7:92,001,075, A>T. VCF-style: chr7-92001075-A-T. GRCh37 (hg19) VCF-style: chr7-91630389-A-T.
Other names: p.K386N:AAA>AAT; c.1158A>T, p.Lys386Asn (NM_147185.3); short protein forms K386N.
Identifiers: ClinVar variation 190503 (VCV000190503.12), dbSNP rs142673316, ClinGen allele CA235631.
Genomic context (GRCh38, chr7:92,001,075, plus strand): 5'-TGTGCAAAAGAACCAAGAAATAAAAAACATGAAATTAGAGCTGACTAATTCTAAGCAAAA[A>T]GAAAGACAGTCTTCTGAAGAAATAAAACAGTTAATGGGGACAGTCGAAGAACTTCAGAAG-3'
Protein context (NP_005742.4, residues 376-396): MKLELTNSKQ[Lys386Asn]ERQSSEEIKQ

ClinVar aggregate classification (germline): Conflicting classifications of pathogenicity. Review status: criteria provided, conflicting classifications (1 of 4 stars). 5 submissions from 5 submitters: Uncertain significance (1); Likely benign (4). Last evaluated 2025-10-29.

Conditions:
Cardiovascular phenotype. Identifiers: MedGen CN230736.
Long QT syndrome (LQTS). Identifiers: MedGen C0023976, MeSH D008133, MONDO:0002442. Disease mechanism: loss of function. Inheritance: Various modes of inheritance.

Allele frequency attached by ClinVar (database versions not stated): ESP Exome Variant Server 0.00015; TOPMed 0.00015.
gnomAD v4.1: 147 of 1,613,340 alleles (0.0091%); highest among the groups gnomAD compares: Admixed American, 0.038%; no homozygotes.

Submissions (5):

Labcorp Genetics (formerly Invitae), Labcorp
Classification: Uncertain significance for Long QT syndrome. Last evaluated: 2025-10-29. Review status: criteria provided, single submitter. Criteria: Invitae Variant Classification Sherloc (09022015). Collection method: clinical testing. Allele origin: germline.
Comment: This sequence change replaces lysine, which is basic and polar, with asparagine, which is neutral and polar, at codon 386 of the AKAP9 protein (p.Lys386Asn). This variant is present in population databases (rs142673316, gnomAD 0.2%), and has an allele count higher than expected for a pathogenic variant. This variant has not been reported in the literature in individuals affected with AKAP9-related conditions. ClinVar contains an entry for this variant (Variation ID: 190503). An algorithm developed to predict the effect of missense changes on protein structure and function outputs the following: PolyPhen-2: "Benign". The asparagine amino acid residue is found in multiple mammalian species, which suggests that this missense change does not adversely affect protein function. In summary, the available evidence is currently insufficient to determine the role of this variant in disease. Therefore, it has been classified as a Variant of Uncertain Significance.

Blueprint Genetics
Classification: Likely benign. Last evaluated: 2023-07-05. Review status: criteria provided, single submitter. Criteria: ACMG Guidelines, 2015. Collection method: clinical testing. Allele origin: germline.

Ambry Genetics
Classification: Likely benign for Cardiovascular phenotype. Last evaluated: 2021-11-15. Review status: criteria provided, single submitter. Criteria: Ambry Variant Classification Scheme 2023. Collection method: clinical testing. Allele origin: germline.

Biesecker Lab/Clinical Genomics Section, National Institutes of Health
Classification: Likely benign. Last evaluated: 2013-06-24. Review status: criteria provided, single submitter. Criteria: Ng et al. (Circ Cardiovasc Genet. 2013). Collection method: research. Allele origin: unknown. Observed: 2 variant alleles. Study: ClinSeq.
Comment: The study set was not selected for affection status in relation to any cancer. Pathogenicity categories were based on literature curation. See Pubmed ID:23861362 for details.

Medical sequencing

GeneDx
Classification: Likely benign. Last evaluated: 2012-01-12. Review status: criteria provided, single submitter. Criteria: GeneDx Variant Classification (06012015). Collection method: clinical testing. Allele origin: germline. Affected: yes.
Comment: This variant is considered likely benign or benign based on one or more of the following criteria: it is a conservative change, it occurs at a poorly conserved position in the protein, it is predicted to be benign by multiple in silico algorithms, and/or has population frequency not consistent with disease.